The following is an entry in ClinVar:

ClinVar aggregate classification (germline): Uncertain significance. Review status: criteria provided, multiple submitters, no conflicts (2 of 4 stars). 2 submissions from 2 submitters: Uncertain significance (2). Last evaluated 2025-04-18.

Conditions:
Early-infantile DEE. Also called: Early infantile epileptic encephalopathy; Ohtahara syndrome; Early infantile epileptic encephalopathy with suppression bursts. Identifiers: Orphanet 1934, MedGen C0393706, MONDO:0800491.
Inborn genetic diseases. Identifiers: MedGen C0950123, MeSH D030342.

Allele frequency attached by ClinVar (database versions not stated): gnomAD exomes below 0.00001 and 0.00001; ExAC 0.00002; TOPMed 0.00005; gnomAD 0.00006; ESP Exome Variant Server 0.00015.
gnomAD v4.1: 11 of 1,614,088 alleles (0.00068%); highest among the groups gnomAD compares: African/African-American, 0.013%; no homozygotes.

Submissions (2):

Labcorp Genetics (formerly Invitae), Labcorp
Classification: Uncertain significance for Early-infantile DEE. Last evaluated: 2025-04-18. Review status: criteria provided, single submitter. Criteria: Invitae Variant Classification Sherloc (09022015). Collection method: clinical testing. Allele origin: germline.
Comment: This sequence change replaces asparagine, which is neutral and polar, with serine, which is neutral and polar, at codon 830 of the KCNH5 protein (p.Asn830Ser). This variant is present in population databases (rs151103620, gnomAD 0.01%). This variant has not been reported in the literature in individuals affected with KCNH5-related conditions. ClinVar contains an entry for this variant (Variation ID: 959141). Invitae Evidence Modeling of protein sequence and biophysical properties (such as structural, functional, and spatial information, amino acid conservation, physicochemical variation, residue mobility, and thermodynamic stability) indicates that this missense variant is not expected to disrupt KCNH5 protein function with a negative predictive value of 95%. In summary, the available evidence is currently insufficient to determine the role of this variant in disease. Therefore, it has been classified as a Variant of Uncertain Significance.

Ambry Genetics
Classification: Uncertain significance for Inborn genetic diseases. Last evaluated: 2024-11-15. Review status: criteria provided, single submitter. Criteria: Ambry Variant Classification Scheme 2023. Collection method: clinical testing. Allele origin: germline.

NM_139318.5(KCNH5):c.2489A>G (p.Asn830Ser)

Gene: KCNH5 (potassium voltage-gated channel subfamily H member 5; minus strand). Cytogenetic location: 14q23.2.
Variant type: single nucleotide variant.
Coding change: c.2489A>G on transcript NM_139318.5 (MANE Select); coding-DNA position 2489, A replaced by G.
Protein change: p.Asn830Ser; replaces asparagine 830 with serine.
Molecular consequence: missense variant. On other transcripts: 3 prime UTR variant (1).
Genome position (GRCh38, 1-based): chr14:62,707,986, T>C on the plus strand (A>G on the coding strand, the complement: KCNH5 is on the minus strand). VCF-style: chr14-62707986-T-C. GRCh37 (hg19) VCF-style: chr14-63174704-T-C.
Other names: c.*456A>G (NM_172375.3); c.2489A>G (NM_139318.3); short protein forms N830S.
Identifiers: ClinVar variation 959141 (VCV000959141.12), dbSNP rs151103620, ClinGen allele CA7217239.